The following is an entry in ClinVar:

NM_000426.4(LAMA2):c.6070T>G (p.Ser2024Ala)

Gene: LAMA2 (laminin subunit alpha 2; plus strand). Cytogenetic location: 6q22.33.
Variant type: single nucleotide variant.
Coding change: c.6070T>G on transcript NM_000426.4 (MANE Select); coding-DNA position 6070, T replaced by G.
Protein change: p.Ser2024Ala; replaces serine 2024 with alanine.
Molecular consequence: missense variant.
Genome position (GRCh38, 1-based): chr6:129,438,747, T>G. VCF-style: chr6-129438747-T-G. GRCh37 (hg19) VCF-style: chr6-129759892-T-G.
Other names: c.6070T>G, p.Ser2024Ala (NM_001079823.2); short protein forms S2024A.
Identifiers: ClinVar variation 2504498 (VCV002504498.1), dbSNP rs1781957328, ClinGen allele CA365628158.

ClinVar aggregate classification (germline): Uncertain significance (1 of 4 stars; one submission).

Allele frequency attached by ClinVar (database versions not stated): TOPMed 0.00001.

Submission:

GeneDx
Classification: Uncertain significance. Last evaluated: 2022-11-27. Review status: criteria provided, single submitter. Criteria: GeneDx Variant Classification Process June 2021. Collection method: clinical testing. Allele origin: germline. Affected: yes.
Comment: Not observed at significant frequency in large population cohorts (gnomAD); In silico analysis supports that this missense variant does not alter protein structure/function; Has not been previously published as pathogenic or benign to our knowledge